The following is an entry in ClinVar:

NM_002474.3(MYH11):c.1145G>A (p.Cys382Tyr)

Gene: MYH11 (myosin heavy chain 11; minus strand). Cytogenetic location: 16p13.11.
Variant type: single nucleotide variant.
Coding change: c.1145G>A on transcript NM_002474.3 (MANE Select); coding-DNA position 1145, G replaced by A.
Protein change: p.Cys382Tyr; replaces cysteine 382 with tyrosine.
Molecular consequence: missense variant.
Genome position (GRCh38, 1-based): chr16:15,760,643, C>T on the plus strand (G>A on the coding strand, the complement: MYH11 is on the minus strand). VCF-style: chr16-15760643-C-T. GRCh37 (hg19) VCF-style: chr16-15854500-C-T.
Other names: c.1166G>A, p.Cys389Tyr (NM_001040113.2, NM_001040114.2); c.1145G>A, p.Cys382Tyr (NM_022844.3); short protein forms C389Y, C382Y.
Identifiers: ClinVar variation 3400666 (VCV003400666.1).

ClinVar aggregate classification (germline): Uncertain significance (1 of 4 stars; one submission).

Conditions:
Familial thoracic aortic aneurysm and aortic dissection (TAAD). Also called: Thoracic aortic aneurysms and dissections. Identifiers: Orphanet 91387, MedGen C4707243, MONDO:0019625.

gnomAD v4.1: 1 of 1,612,222 alleles (0.000062%); highest among the groups gnomAD compares: Non-Finnish European, 0.000085%; no homozygotes.

Submission:

Ambry Genetics
Classification: Uncertain significance for Familial thoracic aortic aneurysm and aortic dissection. Last evaluated: 2024-11-17. Review status: criteria provided, single submitter. Criteria: Ambry Variant Classification Scheme 2023. Collection method: clinical testing. Allele origin: germline.
Comment: The p.C382Y variant (also known as c.1145G>A), located in coding exon 10 of the MYH11 gene, results from a G to A substitution at nucleotide position 1145. The cysteine at codon 382 is replaced by tyrosine, an amino acid with highly dissimilar properties. This amino acid position is conserved. In addition, this alteration is predicted to be deleterious by in silico analysis. Based on the available evidence, the clinical significance of this variant remains unclear.